The following is an entry in ClinVar:

NM_002693.3(POLG):c.2264A>C (p.Lys755Thr)

Gene: POLG (DNA polymerase gamma, catalytic subunit; minus strand). Cytogenetic location: 15q26.1.
Variant type: single nucleotide variant.
Coding change: c.2264A>C on transcript NM_002693.3 (MANE Select); coding-DNA position 2264, A replaced by C.
Protein change: p.Lys755Thr; replaces lysine 755 with threonine.
Molecular consequence: missense variant.
Genome position (GRCh38, 1-based): chr15:89,323,405, T>G on the plus strand (A>C on the coding strand, the complement: POLG is on the minus strand). VCF-style: chr15-89323405-T-G. GRCh37 (hg19) VCF-style: chr15-89866636-T-G.
Other names: c.2264A>C, p.Lys755Thr (NM_001126131.2); short protein forms K755T.
Identifiers: ClinVar variation 501901 (VCV000501901.9), dbSNP rs770438363, ClinGen allele CA7724536.

ClinVar aggregate classification (germline): Conflicting classifications of pathogenicity. Review status: criteria provided, conflicting classifications (1 of 4 stars). 3 submissions from 3 submitters: Likely pathogenic (1); Uncertain significance (2). Last evaluated 2025-01-17.

Conditions:
Progressive sclerosing poliodystrophy (MTDPS4A). Also called: Alpers-Huttenlocher Syndrome (AHS); ALPERS PROGRESSIVE INFANTILE POLIODYSTROPHY; Mitochondrial DNA Depletion Syndrome 4A; Mitochondrial DNA depletion syndrome 4A (Alpers type); NEURONAL DEGENERATION OF CHILDHOOD WITH LIVER DISEASE, PROGRESSIVE; Alpers Syndrome. Identifiers: Orphanet 726, MedGen C0205710, MONDO:0008758, OMIM 203700.

Allele frequency attached by ClinVar (database versions not stated): TOPMed 0.00002; ExAC 0.00003; gnomAD 0.00003 and 0.00004; gnomAD exomes below 0.00001 and 0.00002.

Submissions (3):

Labcorp Genetics (formerly Invitae), Labcorp
Classification: Uncertain significance for Progressive sclerosing poliodystrophy. Last evaluated: 2025-01-17. Review status: criteria provided, single submitter. Criteria: Invitae Variant Classification Sherloc (09022015). Collection method: clinical testing. Allele origin: germline.
Comment: This sequence change replaces lysine, which is basic and polar, with threonine, which is neutral and polar, at codon 755 of the POLG protein (p.Lys755Thr). This variant is present in population databases (rs770438363, gnomAD 0.03%). This variant has not been reported in the literature in individuals affected with POLG-related conditions. ClinVar contains an entry for this variant (Variation ID: 501901). An algorithm developed to predict the effect of missense changes on protein structure and function (PolyPhen-2) suggests that this variant is likely to be disruptive. Algorithms developed to predict the effect of sequence changes on RNA splicing suggest that this variant may disrupt the consensus splice site. In summary, the available evidence is currently insufficient to determine the role of this variant in disease. Therefore, it has been classified as a Variant of Uncertain Significance.

Wong Mito Lab, Molecular and Human Genetics, Baylor College of Medicine
Classification: Likely pathogenic for Progressive sclerosing poliodystrophy. Last evaluated: 2018-10-01. Review status: criteria provided, single submitter. Criteria: ACMG Guidelines, 2015. Collection method: clinical testing. Allele origin: germline.
Comment: The NM_002693.2:c.2264A>C (NP_002684.1:p.Lys755Thr) [GRCH38: NC_000015.10:g.89323405T>G] variant in POLG gene is interpretated to be a Likely Pathogenic based on ACMG guidelines (PMID: 25741868). This variant meets the following evidence codes reported in the ACMG-guideline. PS1:This variation causes same amino-acid change as an established pathogenic variant. PM2:This variant is absent in key population databases. Based on the evidence criteria codes applied, the variant is suggested to be Likely Pathogenic.

Eurofins Ntd Llc (ga)
Classification: Uncertain significance. Last evaluated: 2017-05-09. Review status: criteria provided, single submitter. Criteria: EGL Classification Definitions 2015. Collection method: clinical testing. Allele origin: germline. Observed: 1 variant allele, 1 heterozygote.